The following is an entry in ClinVar:

ClinVar aggregate classification (germline): Conflicting classifications of pathogenicity. Review status: criteria provided, conflicting classifications (1 of 4 stars). 2 submissions from 2 submitters: Uncertain significance (1); Benign (1). Last evaluated 2025-04-18.

Conditions:
Genitopatellar syndrome (GTPTS). Also called: ABSENT PATELLAE, SCROTAL HYPOPLASIA, RENAL ANOMALIES, FACIAL DYSMORPHISM, AND MENTAL RETARDATION; Genitopatellar syndrome (GPS). Identifiers: Orphanet 85201, MedGen C1853566, MONDO:0011640, OMIM 606170.

Allele frequency attached by ClinVar (database versions not stated): gnomAD exomes below 0.00001; TOPMed 0.00002; gnomAD 0.00003.
gnomAD v4.1: 5 of 1,613,998 alleles (0.00031%); highest among the groups gnomAD compares: Non-Finnish European, 0.00042%; no homozygotes.

Submissions (2):

Labcorp Genetics (formerly Invitae), Labcorp
Classification: Benign for Genitopatellar syndrome. Last evaluated: 2025-04-18. Review status: criteria provided, single submitter. Criteria: Invitae Variant Classification Sherloc (09022015). Collection method: clinical testing. Allele origin: germline.

GeneDx
Classification: Uncertain significance. Last evaluated: 2021-05-24. Review status: criteria provided, single submitter. Criteria: GeneDx Variant Classification Process June 2021. Collection method: clinical testing. Allele origin: germline. Affected: yes.
Comment: In silico analysis supports that this missense variant does not alter protein structure/function; Has not been previously published as pathogenic or benign to our knowledge

NM_012330.4(KAT6B):c.3539T>G (p.Val1180Gly)

Gene: KAT6B (lysine acetyltransferase 6B; plus strand). Cytogenetic location: 10q22.2.
Variant type: single nucleotide variant.
Coding change: c.3539T>G on transcript NM_012330.4 (MANE Select); coding-DNA position 3539, T replaced by G.
Protein change: p.Val1180Gly; replaces valine 1180 with glycine.
Molecular consequence: missense variant.
Genome position (GRCh38, 1-based): chr10:75,025,124, T>G. VCF-style: chr10-75025124-T-G. GRCh37 (hg19) VCF-style: chr10-76784882-T-G.
Other names: c.2990T>G, p.Val997Gly (NM_001256468.2, NM_001370138.1); c.2663T>G, p.Val888Gly (NM_001256469.2, NM_001370139.1, NM_001370140.1 and 2 more transcripts); c.2501T>G, p.Val834Gly (NM_001370132.1); c.1850T>G, p.Val617Gly (NM_001370133.1); c.1454T>G, p.Val485Gly (NM_001370134.1); c.1196T>G, p.Val399Gly (NM_001370135.1); c.3539T>G, p.Val1180Gly (NM_001370136.1, NM_001370137.1); c.2474T>G, p.Val825Gly (NM_001370143.1, NM_001370144.1); short protein forms V1180G, V399G, V485G, V617G, V825G, V834G, V888G, V997G.
Identifiers: ClinVar variation 1326487 (VCV001326487.5), dbSNP rs1213787718, ClinGen allele CA377288075.